The following is an entry in ClinVar:

ClinVar aggregate classification (germline): Conflicting classifications of pathogenicity. Review status: criteria provided, conflicting classifications (1 of 4 stars). 2 submissions from 2 submitters: Uncertain significance (1); Likely benign (1). Last evaluated 2020-10-20.

Conditions:
Cardiovascular phenotype. Identifiers: MedGen CN230736.
Long QT syndrome (LQTS). Identifiers: MedGen C0023976, MeSH D008133, MONDO:0002442. Disease mechanism: loss of function. Inheritance: Various modes of inheritance.

Submissions (2):

Ambry Genetics
Classification: Likely benign for Cardiovascular phenotype. Last evaluated: 2020-10-20. Review status: criteria provided, single submitter. Criteria: Ambry Variant Classification Scheme 2023. Collection method: clinical testing. Allele origin: germline.

Labcorp Genetics (formerly Invitae), Labcorp
Classification: Uncertain significance for Long QT syndrome. Last evaluated: 2018-05-01. Review status: criteria provided, single submitter. Criteria: Invitae Variant Classification Sherloc (09022015). Collection method: clinical testing. Allele origin: germline.
Comment: Algorithms developed to predict the effect of missense changes on protein structure and function output the following: SIFT: "Tolerated"; PolyPhen-2: "Benign"; Align-GVGD: "Class C0". The glycine amino acid residue is found in multiple mammalian species, suggesting that this missense change does not adversely affect protein function. These predictions have not been confirmed by published functional studies and their clinical significance is uncertain. This sequence change replaces glutamic acid with glycine at codon 2884 of the ANK2 protein (p.Glu2884Gly). The glutamic acid residue is weakly conserved and there is a moderate physicochemical difference between glutamic acid and glycine. This variant is not present in population databases (ExAC no frequency). This variant has not been reported in the literature in individuals with ANK2-related disease. ClinVar contains an entry for this variant (Variation ID: 406492). In summary, the available evidence is currently insufficient to determine the role of this variant in disease. Therefore, it has been classified as a Variant of Uncertain Significance.

NM_001148.6(ANK2):c.8651A>G (p.Glu2884Gly)

Gene: ANK2 (ankyrin 2; plus strand). Cytogenetic location: 4q26.
Variant type: single nucleotide variant.
Coding change: c.8651A>G on transcript NM_001148.6 (MANE Select); coding-DNA position 8651, A replaced by G.
Protein change: p.Glu2884Gly; replaces glutamic acid 2884 with glycine.
Molecular consequence: missense variant. On other transcripts: intron variant (68).
Genome position (GRCh38, 1-based): chr4:113,357,269, A>G. VCF-style: chr4-113357269-A-G. GRCh37 (hg19) VCF-style: chr4-114278425-A-G.
Other names: c.8417A>G, p.Glu2806Gly (NM_001386142.1); c.5051A>G, p.Glu1684Gly (NM_001386166.1); c.8792A>G, p.Glu2931Gly (NM_001386174.1); c.8768A>G, p.Glu2923Gly (NM_001386175.1); c.4412-3554A>G (NM_001386186.2, NM_001386148.2); c.4214-3554A>G (NM_001354269.3); c.4292-3554A>G (NM_001386187.2); c.4253-3554A>G (NM_001386147.1); and 35 more; short protein forms E2884G, E1684G, E2806G, E2923G, E2931G.
Identifiers: ClinVar variation 406492 (VCV000406492.7), dbSNP rs1060501164, ClinGen allele CA16611410.